The following is an entry in ClinVar:

ClinVar aggregate classification (germline): Likely pathogenic (1 of 4 stars; one submission).

Conditions:
Maple syrup urine disease (MSUD). Identifiers: Orphanet 511, MedGen C0024776, MeSH D008375, MONDO:0009563. Disease mechanism: loss of function.

Allele frequency attached by ClinVar (database versions not stated): gnomAD exomes below 0.00001 and 0.00001; TOPMed below 0.00001; ExAC 0.00001.
gnomAD v4.1: 8 of 1,572,932 alleles (0.00051%); highest among the groups gnomAD compares: South Asian, 0.0011%; no homozygotes.

Submission:

Labcorp Genetics (formerly Invitae), Labcorp
Classification: Likely pathogenic for Maple syrup urine disease. Last evaluated: 2022-09-01. Review status: criteria provided, single submitter. Criteria: Invitae Variant Classification Sherloc (09022015). Collection method: clinical testing. Allele origin: germline.
Comment: In summary, the currently available evidence indicates that the variant is pathogenic, but additional data are needed to prove that conclusively. Therefore, this variant has been classified as Likely Pathogenic. Algorithms developed to predict the effect of sequence changes on RNA splicing suggest that this variant may disrupt the consensus splice site. ClinVar contains an entry for this variant (Variation ID: 959196). Disruption of this splice site has been observed in individual(s) with a BCKDHB-related condition (PMID: 22727569). This variant is present in population databases (rs756647770, gnomAD 0.0009%). This sequence change affects a donor splice site in intron 8 of the BCKDHB gene. It is expected to disrupt RNA splicing. Variants that disrupt the donor or acceptor splice site typically lead to a loss of protein function (PMID: 16199547), and loss-of-function variants in BCKDHB are known to be pathogenic (PMID: 16786533, 22593002).

Literature cited by the submitters: PubMed 22727569; PubMed 16199547; PubMed 16786533; PubMed 22593002.

NM_183050.4(BCKDHB):c.951+1G>A

Gene: BCKDHB (branched chain keto acid dehydrogenase E1 subunit beta; plus strand). Cytogenetic location: 6q14.1.
Variant type: single nucleotide variant.
Coding change: c.951+1G>A on transcript NM_183050.4 (MANE Select); the canonical splice donor site of the intron after coding-DNA position 951, G replaced by A.
Molecular consequence: splice donor variant.
Genome position (GRCh38, 1-based): chr6:80,203,213, G>A. VCF-style: chr6-80203213-G-A. GRCh37 (hg19) VCF-style: chr6-80912930-G-A.
Other names: c.741+1G>A (NM_001318975.1); c.951+1G>A (NM_000056.5).
Identifiers: ClinVar variation 959196 (VCV000959196.13), dbSNP rs756647770, ClinGen allele CA3902795.
Genomic context (GRCh38, chr6:80,203,213, plus strand): 5'-TCTTGTGAAGTCATTGATCTGAGGACTATAATACCTTGGGATGTGGACACAATTTGTAAG[G>A]TATGAATATAATGGTGATAGAATGTCATTTCCCTGAAACCTTTGGCCAAATATGTTGTAT-3'